The following is an entry in ClinVar:

ClinVar aggregate classification (germline): Uncertain significance (1 of 4 stars; one submission).

Conditions:
Brody myopathy. Also called: BRODY DISEASE. Identifiers: Orphanet 53347, MedGen C1832918, MONDO:0010977, OMIM 601003.

Submission:

Labcorp Genetics (formerly Invitae), Labcorp
Classification: Uncertain significance for Brody myopathy. Last evaluated: 2022-03-04. Review status: criteria provided, single submitter. Criteria: Invitae Variant Classification Sherloc (09022015). Collection method: clinical testing. Allele origin: germline.
Comment: This sequence change replaces arginine, which is basic and polar, with leucine, which is neutral and non-polar, at codon 198 of the ATP2A1 protein (p.Arg198Leu). This variant is not present in population databases (gnomAD no frequency). This variant has not been reported in the literature in individuals affected with ATP2A1-related conditions. Algorithms developed to predict the effect of missense changes on protein structure and function are either unavailable or do not agree on the potential impact of this missense change (SIFT: "Deleterious"; PolyPhen-2: "Probably Damaging"; Align-GVGD: "Class C0"). In summary, the available evidence is currently insufficient to determine the role of this variant in disease. Therefore, it has been classified as a Variant of Uncertain Significance.

NM_004320.6(ATP2A1):c.593G>T (p.Arg198Leu)

Gene: ATP2A1 (ATPase sarcoplasmic/endoplasmic reticulum Ca2+ transporting 1; plus strand). Cytogenetic location: 16p11.2.
Variant type: single nucleotide variant.
Coding change: c.593G>T on transcript NM_004320.6 (MANE Select); coding-DNA position 593, G replaced by T.
Protein change: p.Arg198Leu; replaces arginine 198 with leucine.
Molecular consequence: missense variant.
Genome position (GRCh38, 1-based): chr16:28,887,237, G>T. VCF-style: chr16-28887237-G-T. GRCh37 (hg19) VCF-style: chr16-28898558-G-T.
Other names: c.218G>T, p.Arg73Leu (NM_001286075.2); c.593G>T, p.Arg198Leu (NM_173201.5); short protein forms R73L, R198L.
Identifiers: ClinVar variation 1933133 (VCV001933133.5), dbSNP rs751190054, ClinGen allele CA395402584.